The following is an entry in ClinVar:

NM_002489.4(COXFA4):c.149C>G (p.Pro50Arg)

Gene: COXFA4 (cytochrome c oxidase associated subunit FA4; minus strand). Cytogenetic location: 7p21.3.
Variant type: single nucleotide variant.
Coding change: c.149C>G on transcript NM_002489.4 (MANE Select); coding-DNA position 149, C replaced by G.
Protein change: p.Pro50Arg; replaces proline 50 with arginine.
Molecular consequence: missense variant.
Genome position (GRCh38, 1-based): chr7:10,938,130, G>C on the plus strand (C>G on the coding strand, the complement: COXFA4 is on the minus strand). VCF-style: chr7-10938130-G-C. GRCh37 (hg19) VCF-style: chr7-10977757-G-C.
Other names: c.149C>G (NM_002489.3); short protein forms P50R.
Identifiers: ClinVar variation 2194288 (VCV002194288.5), dbSNP rs1455159885, ClinGen allele CA366851038.
Genomic context (GRCh38, chr7:10,938,130, plus strand): 5'-AAAACAATTTTGTAGTTTACCTTGTATTGATCATTGGGACCCAGTTTGTTCCAGGGCTCT[G>C]GGTTATTTCTGTCCCAACTAAAAGAAATAAAACATTACGACTGTTATAATAATAAAGCAC-3'
Protein context (NP_002480.1, residues 40-60): NPDVCWDRNN[Pro50Arg]EPWNKLGPND

ClinVar aggregate classification (germline): Uncertain significance. Review status: criteria provided, multiple submitters, no conflicts (2 of 4 stars). 2 submissions from 2 submitters: Uncertain significance (2). Last evaluated 2025-01-29.

gnomAD v4.1: 4 of 1,612,958 alleles (0.00025%); highest among the groups gnomAD compares: Admixed American, 0.0033%; no homozygotes.

Submissions (2):

Ambry Genetics
Classification: Uncertain significance. Last evaluated: 2025-01-29. Review status: criteria provided, single submitter. Criteria: Ambry Variant Classification Scheme 2023. Collection method: clinical testing. Allele origin: germline.

Labcorp Genetics (formerly Invitae), Labcorp
Classification: Uncertain significance. Last evaluated: 2023-11-27. Review status: criteria provided, single submitter. Criteria: Invitae Variant Classification Sherloc (09022015). Collection method: clinical testing. Allele origin: germline.
Comment: This sequence change replaces proline, which is neutral and non-polar, with arginine, which is basic and polar, at codon 50 of the NDUFA4 protein (p.Pro50Arg). This variant is not present in population databases (gnomAD no frequency). This variant has not been reported in the literature in individuals affected with NDUFA4-related conditions. ClinVar contains an entry for this variant (Variation ID: 2194288). An algorithm developed to predict the effect of missense changes on protein structure and function (PolyPhen-2) suggests that this variant is likely to be disruptive. In summary, the available evidence is currently insufficient to determine the role of this variant in disease. Therefore, it has been classified as a Variant of Uncertain Significance.